The following is an entry in ClinVar:

ClinVar aggregate classification (germline): Uncertain significance. Review status: criteria provided, multiple submitters, no conflicts (2 of 4 stars). 2 submissions from 2 submitters: Uncertain significance (2). Last evaluated 2025-05-10.

Conditions:
Glomerulopathy with fibronectin deposits 2 (GFND2). Identifiers: Orphanet 84090, MedGen C1866075, MONDO:0011165, OMIM 601894.
Spondylometaphyseal dysplasia - Sutcliffe type. Also called: Sutcliffe type of spondylometaphyseal dysplasia; Sutcliffe SMD; Spondylometaphyseal dysplasia, 'corner fracture' type; Spondylometaphyseal Dysplasia, Corner Fracture Type. Identifiers: Orphanet 93315, MedGen C0432221, MONDO:0008479, OMIM 184255.

gnomAD v4.1: 24 of 1,613,936 alleles (0.0015%); highest among the groups gnomAD compares: Admixed American, 0.005%; no homozygotes.

Submissions (2):

Labcorp Genetics (formerly Invitae), Labcorp
Classification: Uncertain significance. Last evaluated: 2025-05-10. Review status: criteria provided, single submitter. Criteria: Invitae Variant Classification Sherloc (09022015). Collection method: clinical testing. Allele origin: germline.
Comment: This sequence change replaces valine, which is neutral and non-polar, with isoleucine, which is neutral and non-polar, at codon 738 of the FN1 protein (p.Val738Ile). This variant is present in population databases (rs751873619, gnomAD 0.003%). This variant has not been reported in the literature in individuals affected with FN1-related conditions. ClinVar contains an entry for this variant (Variation ID: 3585524). An algorithm developed to predict the effect of missense changes on protein structure and function (PolyPhen-2) suggests that this variant is likely to be disruptive. In summary, the available evidence is currently insufficient to determine the role of this variant in disease. Therefore, it has been classified as a Variant of Uncertain Significance.

Fulgent Genetics
Classification: Uncertain significance for Spondylometaphyseal dysplasia - Sutcliffe type; Glomerulopathy with fibronectin deposits 2. Last evaluated: 2024-03-23. Review status: criteria provided, single submitter. Criteria: ACMG Guidelines, 2015. Collection method: clinical testing. Allele origin: germline.

NM_212482.4(FN1):c.2212G>A (p.Val738Ile)

Gene: FN1 (fibronectin 1; minus strand). Cytogenetic location: 2q35.
Variant type: single nucleotide variant.
Coding change: c.2212G>A on transcript NM_212482.4 (MANE Select); coding-DNA position 2212, G replaced by A.
Protein change: p.Val738Ile; replaces valine 738 with isoleucine.
Molecular consequence: missense variant.
Genome position (GRCh38, 1-based): chr2:215,409,650, C>T on the plus strand (G>A on the coding strand, the complement: FN1 is on the minus strand). VCF-style: chr2-215409650-C-T. GRCh37 (hg19) VCF-style: chr2-216274373-C-T.
Other names: c.2212G>A, p.Val738Ile (NM_001306129.2, NM_001306130.2, NM_001306131.2 and 13 more transcripts); short protein forms V738I.
Identifiers: ClinVar variation 3585524 (VCV003585524.3).